The following is an entry in ClinVar:

NM_001080779.2(MYO1C):c.76-1509_76-1498dup

Genes: MYO1C (myosin IC; minus strand), LOC130059882 (ATAC-STARR-seq lymphoblastoid silent region 7955; plus strand). Cytogenetic location: 17p13.3.
Variant type: Duplication.
Coding change: c.76-1509_76-1498dup on transcript NM_001080779.2 (MANE Select); 1509 bases into the intron before coding-DNA position 76 through 1498 bases into the intron before coding-DNA position 76, 12 bases duplicated (TGCGGGGGGCGG).
Molecular consequence: intron variant.
Genome position (GRCh38, 1-based): chr17:1,485,801-1,485,812, CCGCCCCCCGCA duplicated on the plus strand (TGCGGGGGGCGG on the coding strand, the reverse complement: MYO1C is on the minus strand); duplicating any 12 consecutive bases within chr17:1,485,801-1,485,820 gives the same sequence; the c. name uses the placement nearest the transcript's 3' end. VCF-style (leftmost placement, unchanged base first): chr17-1485800-C-CCCGCCCCCCGCA. GRCh37 (hg19) VCF-style: chr17-1389094-C-CCCGCCCCCCGCA.
Other names: c.-30-1509_-30-1498dup (NM_033375.5).
Identifiers: ClinVar variation 682782 (VCV000682782.1), dbSNP rs575160318, ClinGen allele CA286799769.
Genomic context (GRCh38, chr17:1,485,800, plus strand): 5'-GCTGCCCGCGCTCCGGGTCCCGGGCTCGGCGGCGGTGGCGGCGGCGTCAGCGAGGGAGGG[C>CCCGCCCCCCGCA]CCGCCCCCCGCACCGCCCCCACCCGGGCCCCTGAAGCGCGGGGCTTCCCCGGCCTCCCCC-3'

ClinVar aggregate classification (germline): Benign (1 of 4 stars; one submission).

Submission:

GeneDx
Classification: Benign. Last evaluated: 2018-06-13. Review status: criteria provided, single submitter. Criteria: GeneDx Variant Classification (06012015). Collection method: clinical testing. Allele origin: germline. Affected: yes.
Comment: This variant is considered likely benign or benign based on one or more of the following criteria: it is a conservative change, it occurs at a poorly conserved position in the protein, it is predicted to be benign by multiple in silico algorithms, and/or has population frequency not consistent with disease.